The following is an entry in ClinVar:

NM_006280.3(SSR4):c.406G>A (p.Val136Met)

Gene: SSR4 (signal sequence receptor subunit 4; plus strand). Cytogenetic location: Xq28.
Variant type: single nucleotide variant.
Coding change: c.406G>A on transcript NM_006280.3 (MANE Select); coding-DNA position 406, G replaced by A.
Protein change: p.Val136Met; replaces valine 136 with methionine.
Molecular consequence: missense variant.
Genome position (GRCh38, 1-based): chrX:153,798,125, G>A. VCF-style: chrX-153798125-G-A. GRCh37 (hg19) VCF-style: chrX-153063580-G-A.
Other names: c.439G>A, p.Val147Met (NM_001204526.2); c.430G>A, p.Val144Met (NM_001204527.2); short protein forms V136M, V147M, V144M.
Identifiers: ClinVar variation 971849 (VCV000971849.9), dbSNP rs148637748, ClinGen allele CA10553367.

ClinVar aggregate classification (germline): Conflicting classifications of pathogenicity. Review status: criteria provided, conflicting classifications (1 of 4 stars). 3 submissions from 3 submitters: Uncertain significance (1); Likely benign (2). Last evaluated 2024-11-05.

Conditions:
Inborn genetic diseases. Identifiers: MedGen C0950123, MeSH D030342.

Allele frequency attached by ClinVar (database versions not stated): gnomAD exomes 0.00008; ExAC 0.00009; ESP Exome Variant Server 0.00009; gnomAD 0.00023 and 0.00024; 1000 Genomes Project 30x 0.00042; 1000 Genomes Project 0.00053; TOPMed 0.00054.
gnomAD v4.1: 142 of 1,208,811 alleles (0.012%); highest among the groups gnomAD compares: Admixed American, 0.061%; no homozygotes.

Submissions (3):

Labcorp Genetics (formerly Invitae), Labcorp
Classification: Uncertain significance. Last evaluated: 2024-11-05. Review status: criteria provided, single submitter. Criteria: Invitae Variant Classification Sherloc (09022015). Collection method: clinical testing. Allele origin: germline.
Comment: This sequence change replaces valine, which is neutral and non-polar, with methionine, which is neutral and non-polar, at codon 147 of the SSR4 protein (p.Val147Met). This variant is present in population databases (rs148637748, gnomAD 0.02%). This variant has not been reported in the literature in individuals affected with SSR4-related conditions. ClinVar contains an entry for this variant (Variation ID: 971849). Experimental studies and prediction algorithms are not available or were not evaluated, and the functional significance of this variant is currently unknown. In summary, the available evidence is currently insufficient to determine the role of this variant in disease. Therefore, it has been classified as a Variant of Uncertain Significance.

Blueprint Genetics
Classification: Likely benign. Last evaluated: 2024-09-16. Review status: criteria provided, single submitter. Criteria: ACMG Guidelines, 2015. Collection method: clinical testing. Allele origin: germline.

Ambry Genetics
Classification: Likely benign for Inborn genetic diseases. Last evaluated: 2023-12-19. Review status: criteria provided, single submitter. Criteria: Ambry Variant Classification Scheme 2023. Collection method: clinical testing. Allele origin: germline.